The following is an entry in ClinVar:

NM_000535.7(PMS2):c.1572A>G (p.Pro524=)

Gene: PMS2 (PMS1 homolog 2, mismatch repair system component; minus strand). Cytogenetic location: 7p22.1.
Variant type: single nucleotide variant.
Coding change: c.1572A>G on transcript NM_000535.7 (MANE Select); coding-DNA position 1572, A replaced by G.
Protein change: p.Pro524=; no amino-acid change (proline 524 retained).
Molecular consequence: synonymous variant. On other transcripts: non-coding transcript variant (1).
Genome position (GRCh38, 1-based): chr7:5,987,193, T>C on the plus strand (A>G on the coding strand, the complement: PMS2 is on the minus strand). VCF-style: chr7-5987193-T-C. GRCh37 (hg19) VCF-style: chr7-6026824-T-C.
Other names: c.1167A>G, p.Pro389= (NM_001322003.2, NM_001322004.2, NM_001322005.2 and 1 more transcripts); c.1416A>G, p.Pro472= (NM_001322006.2); c.1254A>G, p.Pro418= (NM_001322007.2, NM_001322008.2); c.1011A>G, p.Pro337= (NM_001322010.2); c.639A>G, p.Pro213= (NM_001322011.2, NM_001322012.2); c.999A>G, p.Pro333= (NM_001322013.2); c.1572A>G, p.Pro524= (NM_001322014.2); c.1263A>G, p.Pro421= (NM_001322015.2).
Identifiers: ClinVar variation 525934 (VCV000525934.17), dbSNP rs1488622375, ClinGen allele CA453747327.
Genomic context (GRCh38, chr7:5,987,193, plus strand): 5'-GTCGTCAGTTTTAGGCGCTTTCTCCTGAGAGTCCACATGTTCCTGCGAGCCCCTGTCCCC[T>C]GGGGAGCTGGCCGCATACTCGCTGCTGCAGTGACTGCCCGTGTCTGGGATGCTGAACCCC-3'
Protein context (NP_000526.2, residues 514-534): HCSSEYAASS[Pro524=]GDRGSQEHVD

ClinVar aggregate classification (germline): Benign/Likely benign. Review status: criteria provided, multiple submitters, no conflicts (2 of 4 stars). 5 submissions from 5 submitters: Benign (1); Likely benign (4). Last evaluated 2025-01-30.

Conditions:
Hereditary nonpolyposis colorectal neoplasms. Identifiers: MedGen C0009405, MeSH D003123.
Hereditary cancer-predisposing syndrome. Also called: Neoplastic Syndromes, Hereditary; Tumor predisposition; Hereditary Cancer Syndrome; Hereditary neoplastic syndrome. Identifiers: Orphanet 140162, MedGen C0027672, MeSH D009386, MONDO:0015356.
Lynch syndrome. Identifiers: Orphanet 144, MedGen C4552100, MONDO:0005835. Disease mechanism: loss of function.
Lynch syndrome 4 (LYNCH4). Also called: Colorectal cancer, hereditary nonpolyposis, type 4; Hereditary non-polyposis colorectal cancer, type 4. Identifiers: Orphanet 144, MedGen C1838333, MONDO:0013699, OMIM 614337. Disease mechanism: loss of function.

Allele frequency attached by ClinVar (database versions not stated): gnomAD exomes below 0.00001.
gnomAD v4.1: 5 of 1,613,982 alleles (0.00031%); highest among the groups gnomAD compares: Non-Finnish European, 0.00042%; no homozygotes.

Submissions (5):

Myriad Genetics, Inc.
Classification: Benign for Lynch syndrome 4. Last evaluated: 2025-01-30. Review status: criteria provided, single submitter. Criteria: Myriad Autosomal Dominant, Autosomal Recessive and X-Linked Classification Criteria (2023). Collection method: clinical testing. Allele origin: unknown.
Comment: This variant is considered benign. This variant is a silent/synonymous amino acid change and it is not expected to impact splicing.

Labcorp Genetics (formerly Invitae), Labcorp
Classification: Likely benign for Hereditary nonpolyposis colorectal neoplasms. Last evaluated: 2024-07-08. Review status: criteria provided, single submitter. Criteria: Invitae Variant Classification Sherloc (09022015). Collection method: clinical testing. Allele origin: germline.

All of Us Research Program, National Institutes of Health
Classification: Likely benign for Lynch syndrome. Last evaluated: 2023-11-02. Review status: criteria provided, single submitter. Criteria: ACMG Guidelines, 2015. Collection method: clinical testing. Allele origin: germline. Inheritance: Autosomal dominant inheritance. Observed: 1 variant allele, 1 heterozygote.
Comment: This study involves interpretation of variants in research participants for the purpose of population health screening. Participant phenotype was not available at the time of variant classification. Additional details can be found in publication PMID: 35346344, PMCID: PMC8962531

Color Diagnostics, LLC DBA Color Health
Classification: Likely benign for Hereditary cancer-predisposing syndrome. Last evaluated: 2023-06-28. Review status: criteria provided, single submitter. Criteria: ACMG Guidelines, 2015. Collection method: clinical testing. Allele origin: germline.

Ambry Genetics
Classification: Likely benign for Hereditary cancer-predisposing syndrome. Last evaluated: 2019-06-09. Review status: criteria provided, single submitter. Criteria: Ambry Variant Classification Scheme 2023. Collection method: clinical testing. Allele origin: germline.